The following is an entry in ClinVar:

NM_194454.3(KRIT1):c.1362_1363del (p.Gln455fs)

Gene: KRIT1 (KRIT1 ankyrin repeat containing; minus strand). Cytogenetic location: 7q21.2.
Variant type: Microsatellite.
Coding change: c.1362_1363del on transcript NM_194454.3 (MANE Select); coding-DNA positions 1362 to 1363, 2 bases deleted (TC; older notation c.1362_1363delTC).
Protein change: p.Gln455fs; shifts the reading frame from glutamine 455.
Molecular consequence: frameshift variant.
Genome position (GRCh38, 1-based): chr7:92,222,870-92,222,871, GA deleted on the plus strand (TC on the coding strand, the reverse complement: KRIT1 is on the minus strand); deleting any 2 consecutive bases within chr7:92,222,870-92,222,877 gives the same sequence; the c. name uses the placement nearest the transcript's 3' end. VCF-style (leftmost placement, unchanged base first): chr7-92222869-TGA-T. GRCh37 (hg19) VCF-style: chr7-91852183-TGA-T.
Other names: c.1362_1363del, p.Gln455fs (NM_194456.1, NM_001350672.1, NM_001350673.1 and 26 more transcripts); c.1362_1363delTC (NM_194456.1); c.1218_1219del, p.Gln407fs (NM_001013406.2, NM_001350669.1, NM_001350670.1); c.648_649del, p.Gln217fs (NM_001350671.1); short protein forms Q407fs, Q455fs, Q217fs.
Identifiers: ClinVar variation 468207 (VCV000468207.29), dbSNP rs1180476377, ClinGen allele CA658657686.

ClinVar aggregate classification (germline): Pathogenic. Review status: criteria provided, multiple submitters, no conflicts (2 of 4 stars). 7 submissions from 7 submitters: Pathogenic (6). 1 of the submissions does not count toward it. Last evaluated 2026-03-12.

Conditions:
KRIT1-related disorder. Also called: KRIT1-related condition; KRIT1-related disorders.
Cerebral cavernous malformation 1. Also called: Cerebral cavernous malformations 1; Familial Cerebral Cavernous Malformation 1. Identifiers: MedGen C1366911, MONDO:0020724.
Cerebral cavernous malformation (CCM). Also called: Cerebral cavernous malformations; CAVERNOUS ANGIOMA, FAMILIAL; CAVERNOUS ANGIOMATOUS MALFORMATIONS; CEREBRAL CAPILLARY MALFORMATIONS; Cavernous Hemangioma of Brain; Cerebral cavernous hemangioma (type). Identifiers: Orphanet 221061, MedGen C2919945, MONDO:0000820, OMIM 116860, HP:0033522.

Submissions (7):

GeneDx
Classification: Pathogenic. Last evaluated: 2026-03-12. Review status: criteria provided, single submitter. Criteria: GeneDx Variant Classification Process June 2021. Collection method: clinical testing. Allele origin: germline.
Comment: Frameshift variant predicted to result in protein truncation or nonsense mediated decay in a gene for which loss of function is a known mechanism of disease; Not observed at significant frequency in large population cohorts (gnomAD); This variant is associated with the following publications: (PMID: 21029238, 27766163, 31172378, 31254430, 35444609, 38495229, 40401429, 34595868, Yoshikawa2024[CaseReport], 23595507, 11310633)

CeGaT Center for Human Genetics Tuebingen
Classification: Pathogenic. Last evaluated: 2024-08-01. Review status: criteria provided, single submitter. Criteria: CeGaT Center For Human Genetics Tuebingen Variant Classification Criteria Version 2. Collection method: clinical testing. Allele origin: germline. Affected: yes. Observed: 1 variant allele.
Comment: KRIT1: PVS1, PM2, PP1:Moderate, PS4:Moderate

Blueprint Genetics
Classification: Pathogenic for KRIT1-related disorders. Last evaluated: 2024-05-13. Review status: criteria provided, single submitter. Criteria: ACMG Guidelines, 2015. Collection method: clinical testing. Allele origin: germline. Affected: yes. Observed: 5 variant alleles.

Labcorp Genetics (formerly Invitae), Labcorp
Classification: Pathogenic for Cerebral cavernous malformation. Last evaluated: 2024-01-11. Review status: criteria provided, single submitter. Criteria: Invitae Variant Classification Sherloc (09022015). Collection method: clinical testing. Allele origin: germline.
Comment: This sequence change creates a premature translational stop signal (p.Gln455Argfs*24) in the KRIT1 gene. It is expected to result in an absent or disrupted protein product. Loss-of-function variants in KRIT1 are known to be pathogenic (PMID: 10508515, 11222804, 12404106, 24689081). This variant is not present in population databases (gnomAD no frequency). This premature translational stop signal has been observed in individuals with cerebral cavernous malformations (PMID: 23595507, 24466005, 27766163). It has also been observed to segregate with disease in related individuals. ClinVar contains an entry for this variant (Variation ID: 468207). For these reasons, this variant has been classified as Pathogenic.

PreventionGenetics, part of Exact Sciences
Classification: Pathogenic. Last evaluated: 2016-06-20. Review status: criteria provided, single submitter. Criteria: ACMG Guidelines, 2015. Collection method: clinical testing. Allele origin: germline.

Clinical Genetics Service, Universitary Hospital 12 de Octubre
Classification: Pathogenic for Cerebral cavernous malformation. Review status: criteria provided, single submitter. Criteria: ACMG Guidelines, 2015. Collection method: clinical testing. Allele origin: germline. Affected: yes.

OMIM
Classification: Pathogenic for CEREBRAL CAVERNOUS MALFORMATIONS 1. Last evaluated: 2001-04-01. Review status: no assertion criteria provided. Collection method: literature only. Allele origin: germline. Not counted in ClinVar's aggregate classification.

Literature cited by the submitters: PubMed 10508515 (cited by Labcorp Genetics (formerly Invitae), Labcorp); PubMed 11222804 (cited by Labcorp Genetics (formerly Invitae), Labcorp); PubMed 12404106 (cited by Labcorp Genetics (formerly Invitae), Labcorp); PubMed 24689081 (cited by Labcorp Genetics (formerly Invitae), Labcorp); PubMed 23595507 (cited by Labcorp Genetics (formerly Invitae), Labcorp); PubMed 24466005 (cited by Labcorp Genetics (formerly Invitae), Labcorp); PubMed 27766163 (cited by Labcorp Genetics (formerly Invitae), Labcorp); PubMed 11310633 (cited by OMIM).